The following is an entry in ClinVar:

NM_001166108.2(PALLD):c.878G>A (p.Arg293Lys)

Gene: PALLD (palladin, cytoskeletal associated protein; plus strand). Cytogenetic location: 4q32.3.
Variant type: single nucleotide variant.
Coding change: c.878G>A on transcript NM_001166108.2 (MANE Select); coding-DNA position 878, G replaced by A.
Protein change: p.Arg293Lys; replaces arginine 293 with lysine.
Molecular consequence: missense variant.
Genome position (GRCh38, 1-based): chr4:168,512,382, G>A. VCF-style: chr4-168512382-G-A. GRCh37 (hg19) VCF-style: chr4-169433533-G-A.
Other names: c.878G>A, p.Arg293Lys (NM_016081.4); short protein forms R293K.
Identifiers: ClinVar variation 2563436 (VCV002563436.2), dbSNP rs760939042, ClinGen allele CA3135447.

ClinVar aggregate classification (germline): Uncertain significance (1 of 4 stars; one submission).

Allele frequency attached by ClinVar (database versions not stated): gnomAD exomes 0.00001; ExAC 0.00002.
gnomAD v4.1: 8 of 1,613,708 alleles (0.0005%); highest among the groups gnomAD compares: South Asian, 0.0077%; no homozygotes.

Submission:

Ambry Genetics
Classification: Uncertain significance. Last evaluated: 2023-06-11. Review status: criteria provided, single submitter. Criteria: Ambry Variant Classification Scheme 2023. Collection method: clinical testing. Allele origin: germline.
Comment: The p.R293K variant (also known as c.878G>A), located in coding exon 1 of the PALLD gene, results from a G to A substitution at nucleotide position 878. The arginine at codon 293 is replaced by lysine, an amino acid with highly similar properties. This amino acid position is conserved. In addition, this alteration is predicted to be tolerated by in silico analysis. Since supporting evidence is limited at this time, the clinical significance of this alteration remains unclear.